The following is an entry in ClinVar:

ClinVar aggregate classification (germline): Uncertain significance. Review status: criteria provided, multiple submitters, no conflicts (2 of 4 stars). 4 submissions from 4 submitters: Uncertain significance (4). Last evaluated 2026-03-10.

Conditions:
Inborn genetic diseases. Identifiers: MedGen C0950123, MeSH D030342.
Ellis-van Creveld syndrome (EVC). Also called: Chondroectodermal dysplasia; MESOECTODERMAL DYSPLASIA. Identifiers: Orphanet 289, MedGen C0013903, MONDO:0009162, OMIM 225500.
Curry-Hall syndrome (WAD). Also called: WEYERS ACRODENTAL DYSOSTOSIS. Identifiers: Orphanet 952, MedGen C0457013, MONDO:0008673, OMIM 193530.

Allele frequency attached by ClinVar (database versions not stated): gnomAD exomes 0.00002; gnomAD 0.00004 and 0.00005; ExAC 0.00005; TOPMed 0.00006.
gnomAD v4.1: 90 of 1,550,652 alleles (0.0058%); highest among the groups gnomAD compares: African/African-American, 0.012%; no homozygotes.

Submissions (4):

Women's Health and Genetics/Laboratory Corporation of America, LabCorp
Classification: Uncertain significance. Last evaluated: 2026-03-10. Review status: criteria provided, single submitter. Criteria: LabCorp Variant Classification Summary - May 2015. Collection method: clinical testing. Allele origin: germline.
Comment: Variant summary: EVC c.1865G>A (p.Arg622Gln) results in a conservative amino acid change in the encoded protein sequence. Algorithms developed to predict the effect of missense changes on protein structure and function all suggest that this variant is likely to be tolerated. The variant allele was found at a frequency of 1.9e-05 in 156452 control chromosomes. The available data on variant occurrences in the general population are insufficient to allow any conclusion about variant significance. To our knowledge, no occurrence of c.1865G>A in individuals affected with EVC-related conditions and no experimental evidence demonstrating its impact on protein function have been reported. ClinVar contains an entry for this variant (Variation ID: 907782). Based on the evidence outlined above, the variant was classified as uncertain significance.

Labcorp Genetics (formerly Invitae), Labcorp
Classification: Uncertain significance for Curry-Hall syndrome; Ellis-van Creveld syndrome. Last evaluated: 2025-04-21. Review status: criteria provided, single submitter. Criteria: Invitae Variant Classification Sherloc (09022015). Collection method: clinical testing. Allele origin: germline.
Comment: This sequence change replaces arginine, which is basic and polar, with glutamine, which is neutral and polar, at codon 622 of the EVC protein (p.Arg622Gln). This variant is present in population databases (rs767013073, gnomAD 0.007%). This variant has not been reported in the literature in individuals affected with EVC-related conditions. ClinVar contains an entry for this variant (Variation ID: 907782). Invitae Evidence Modeling of protein sequence and biophysical properties (such as structural, functional, and spatial information, amino acid conservation, physicochemical variation, residue mobility, and thermodynamic stability) indicates that this missense variant is not expected to disrupt EVC protein function with a negative predictive value of 95%. In summary, the available evidence is currently insufficient to determine the role of this variant in disease. Therefore, it has been classified as a Variant of Uncertain Significance.

Ambry Genetics
Classification: Uncertain significance for Inborn genetic diseases. Last evaluated: 2024-11-07. Review status: criteria provided, single submitter. Criteria: Ambry Variant Classification Scheme 2023. Collection method: clinical testing. Allele origin: germline.

Illumina Laboratory Services, Illumina
Classification: Uncertain significance for Ellis-van Creveld syndrome. Last evaluated: 2018-01-13. Review status: criteria provided, single submitter. Criteria: ICSL Variant Classification Criteria 13 December 2019. Collection method: clinical testing. Allele origin: germline.

NM_153717.3(EVC):c.1865G>A (p.Arg622Gln)

Gene: EVC (EvC ciliary complex subunit 1; plus strand). Cytogenetic location: 4p16.2.
Variant type: single nucleotide variant.
Coding change: c.1865G>A on transcript NM_153717.3 (MANE Select); coding-DNA position 1865, G replaced by A.
Protein change: p.Arg622Gln; replaces arginine 622 with glutamine.
Molecular consequence: missense variant.
Genome position (GRCh38, 1-based): chr4:5,793,696, G>A. VCF-style: chr4-5793696-G-A. GRCh37 (hg19) VCF-style: chr4-5795423-G-A.
Other names: c.1865G>A, p.Arg622Gln (NM_001306090.2); short protein forms R622Q.
Identifiers: ClinVar variation 907782 (VCV000907782.8), dbSNP rs767013073, ClinGen allele CA2836286.
Genomic context (GRCh38, chr4:5,793,696, plus strand): 5'-GCGTGCTGCAGACACACCTGCGGGAGGACCACGAGGGCACCATCCGCGGCGTCTTGGGCC[G>A]ACTGGGCGGCCTCACTGAAGAGTGAGTACAGCTCCCTGAAGGCCCAGGGCTTTGTGTCCT-3'
Protein context (NP_714928.1, residues 612-632): HEGTIRGVLG[Arg622Gln]LGGLTEESTR